The following is an entry in ClinVar:

NM_001127222.2(CACNA1A):c.6627_6632dup (p.His2210_His2211insGlnHis)

Gene: CACNA1A (calcium voltage-gated channel subunit alpha1 A; minus strand). Cytogenetic location: 19p13.13.
Variant type: Duplication.
Coding change: c.6627_6632dup on transcript NM_001127222.2 (MANE Select); coding-DNA positions 6627 to 6632, 6 bases duplicated (GCACCA; older notation c.6627_6632dupGCACCA).
Protein change: p.His2210_His2211insGlnHis.
Molecular consequence: inframe insertion. On other transcripts: inframe indel (1).
Genome position (GRCh38, 1-based): chr19:13,208,904-13,208,909, TGGTGC duplicated on the plus strand (GCACCA on the coding strand, the reverse complement: CACNA1A is on the minus strand); duplicating any 6 consecutive bases within chr19:13,208,904-13,208,911 gives the same sequence; the c. name uses the placement nearest the transcript's 3' end. VCF-style (leftmost placement, unchanged base first): chr19-13208903-G-GTGGTGC. GRCh37 (hg19) VCF-style: chr19-13319717-G-GTGGTGC.
Other names: c.6645_6650dup, p.His2216_His2217insGlnHis (NM_000068.4, NM_023035.3); c.6630_6635dup, p.His2211_His2212insGlnHis (NM_001127221.2); c.6636_6641dup, p.His2213_His2214insGlnHis (NM_001174080.2); c.6630_6635dup (NM_001127221.1).
Identifiers: ClinVar variation 2430386 (VCV002430386.1), dbSNP rs2054688471, ClinGen allele CA993703037.

ClinVar aggregate classification (germline): Uncertain significance (1 of 4 stars; one submission).

Submission:

GeneDx
Classification: Uncertain significance. Last evaluated: 2023-02-27. Review status: criteria provided, single submitter. Criteria: GeneDx Variant Classification Process June 2021. Collection method: clinical testing. Allele origin: germline. Affected: yes.
Comment: In-frame duplication of 2 amino acids in a non-repeat region; Not observed at significant frequency in large population cohorts (gnomAD); Has not been previously published as pathogenic or benign to our knowledge